The following is an entry in ClinVar:

ClinVar aggregate classification (germline): Uncertain significance. Review status: criteria provided, multiple submitters, no conflicts (2 of 4 stars). 2 submissions from 2 submitters: Uncertain significance (2). Last evaluated 2023-12-01.

Submissions (2):

Clinical Genetics Laboratory, Skane University Hospital Lund
Classification: Uncertain significance. Last evaluated: 2023-12-01. Review status: criteria provided, single submitter. Criteria: ACMG Guidelines, 2015. Collection method: clinical testing. Allele origin: germline. Affected: yes.

GeneDx
Classification: Uncertain significance. Last evaluated: 2022-01-14. Review status: criteria provided, single submitter. Criteria: GeneDx Variant Classification Process June 2021. Collection method: clinical testing. Allele origin: germline. Affected: yes.
Comment: In silico analysis, which includes splice predictors and evolutionary conservation, supports a deleterious effect; Has not been previously published as pathogenic or benign to our knowledge

NM_052867.4(NALCN):c.4447-6_4447-3delinsACGA

Gene: NALCN (sodium leak channel, non-selective; minus strand). Cytogenetic location: 13q32.3.
Variant type: Indel.
Coding change: c.4447-6_4447-3delinsACGA on transcript NM_052867.4 (MANE Select); 6 bases into the intron before coding-DNA position 4447 through 3 bases into the intron before coding-DNA position 4447, CCGC replaced by ACGA.
Molecular consequence: intron variant.
Genome position (GRCh38, 1-based): chr13:101,065,564-101,065,567, GCGG replaced by TCGT on the plus strand (CCGC replaced by ACGA on the coding strand, the reverse complement: NALCN is on the minus strand). VCF-style: chr13-101065564-GCGG-TCGT. GRCh37 (hg19) VCF-style: chr13-101717916-GCGG-TCGT.
Other names: c.4360-6_4360-3delinsACGA (NM_001350751.2, NM_001350750.2); c.4447-6_4447-3delinsACGA (NM_001350749.2); c.4534-6_4534-3delinsACGA (NM_001350748.2).
Identifiers: ClinVar variation 1309048 (VCV001309048.4), dbSNP rs2139425896, ClinGen allele CA2573053771.